The following is an entry in ClinVar:

ClinVar aggregate classification (germline): Likely pathogenic (1 of 4 stars; one submission).

Conditions:
Intellectual developmental disorder with dysmorphic facies and ptosis (IDDDFP). Identifiers: Orphanet 698090, MedGen C4310617, MONDO:0015022, OMIM 617333.

Submission:

HudsonAlpha Institute for Biotechnology
Classification: Likely pathogenic for Intellectual developmental disorder with dysmorphic facies and ptosis. Last evaluated: 2018-08-31. Review status: criteria provided, single submitter. Criteria: ACMG Guidelines, 2015. Collection method: research. Allele origin: unknown. Affected: yes. Observed: 1 variant allele. Study: CSER-SouthSeq.
Comment: ACMG codes: PVS1, PM2

NM_001003694.2(BRPF1):c.1755_1756delinsT (p.Lys585fs)

Gene: BRPF1 (bromodomain and PHD finger containing 1; plus strand). Cytogenetic location: 3p25.3.
Variant type: Indel.
Coding change: c.1755_1756delinsT on transcript NM_001003694.2 (MANE Select); coding-DNA positions 1755 to 1756, AG replaced by T.
Protein change: p.Lys585fs; shifts the reading frame from lysine 585.
Molecular consequence: frameshift variant. On other transcripts: non-coding transcript variant (1).
Genome position (GRCh38, 1-based): chr3:9,741,340-9,741,341, AG replaced by T. VCF-style: chr3-9741340-AG-T. GRCh37 (hg19) VCF-style: chr3-9783024-AG-T.
Other names: c.1755_1756delAGinsT (NM_004634.2); c.1755_1756delinsT, p.Lys585fs (NM_001319049.2, NM_001319050.2, NM_004634.3); short protein forms K585fs.
Identifiers: ClinVar variation 623648 (VCV000623648.2), dbSNP rs1559662068, ClinGen allele CA913189878.